The following is an entry in ClinVar:

ClinVar aggregate classification (germline): Uncertain significance (1 of 4 stars; one submission).

Conditions:
Hereditary cancer-predisposing syndrome. Also called: Neoplastic Syndromes, Hereditary; Tumor predisposition; Hereditary neoplastic syndrome; Hereditary Cancer Syndrome. Identifiers: Orphanet 140162, MedGen C0027672, MeSH D009386, MONDO:0015356.

Submission:

Ambry Genetics
Classification: Uncertain significance for Hereditary cancer-predisposing syndrome. Last evaluated: 2026-06-26. Review status: criteria provided, single submitter. Criteria: Ambry Variant Classification Scheme 2023. Collection method: clinical testing. Allele origin: germline.
Comment: The p.R354S variant (also known as c.1062A>T), located in coding exon 10 of the PRKAR1A gene, results from an A to T substitution at nucleotide position 1062. The arginine at codon 354 is replaced by serine, an amino acid with dissimilar properties. This amino acid position is conserved. In addition, this alteration is predicted to be deleterious by in silico analysis. Based on the available evidence, the clinical significance of this variant remains unclear.

NM_002734.5(PRKAR1A):c.1062A>T (p.Arg354Ser)

Gene: PRKAR1A (protein kinase cAMP-dependent type I regulatory subunit alpha; plus strand). Cytogenetic location: 17q24.2.
Variant type: single nucleotide variant.
Coding change: c.1062A>T on transcript NM_002734.5 (MANE Select); coding-DNA position 1062, A replaced by T.
Protein change: p.Arg354Ser; replaces arginine 354 with serine.
Molecular consequence: missense variant. On other transcripts: intron variant (1).
Genome position (GRCh38, 1-based): chr17:68,530,365, A>T. VCF-style: chr17-68530365-A-T. GRCh37 (hg19) VCF-style: chr17-66526506-A-T.
Other names: c.1062A>T, p.Arg354Ser (NM_001276289.2, NM_001278433.2, NM_001369389.1 and 3 more transcripts); c.973+364A>T (NM_001276290.1); short protein forms R354S.
Identifiers: ClinVar variation 5027299 (VCV005027299.1).
Genomic context (GRCh38, chr17:68,530,365, plus strand): 5'-TCGTGCTGCCACAGTTGTTGCTCGTGGCCCCTTGAAGTGCGTTAAGCTGGACCGACCTAG[A>T]TTTGAACGTGTTCTTGGCCCATGCTCAGACATCCTCAAACGAAACATCCAGCAGTACAAC-3'
Protein context (NP_002725.1, residues 344-364): PLKCVKLDRP[Arg354Ser]FERVLGPCSD